The following is an entry in ClinVar:

NM_013275.6(ANKRD11):c.2968G>A (p.Asp990Asn)

Gene: ANKRD11 (ankyrin repeat domain 11; minus strand). Cytogenetic location: 16q24.3.
Variant type: single nucleotide variant.
Coding change: c.2968G>A on transcript NM_013275.6 (MANE Select); coding-DNA position 2968, G replaced by A.
Protein change: p.Asp990Asn; replaces aspartic acid 990 with asparagine.
Molecular consequence: missense variant.
Genome position (GRCh38, 1-based): chr16:89,283,574, C>T on the plus strand (G>A on the coding strand, the complement: ANKRD11 is on the minus strand). VCF-style: chr16-89283574-C-T. GRCh37 (hg19) VCF-style: chr16-89349982-C-T.
Other names: c.2968G>A, p.Asp990Asn (NM_001256182.2, NM_001256183.2); short protein forms D990N.
Identifiers: ClinVar variation 3666249 (VCV003666249.2).

ClinVar aggregate classification (germline): Uncertain significance (1 of 4 stars; one submission).

Conditions:
KBG syndrome (KBGS). Also called: ANKRD11-Related KBG Syndrome. Identifiers: Orphanet 2332, MedGen C0220687, MONDO:0007846, OMIM 148050.

gnomAD v4.1: 5 of 1,610,634 alleles (0.00031%); highest among the groups gnomAD compares: Non-Finnish European, 0.00017%; no homozygotes.

Submission:

Labcorp Genetics (formerly Invitae), Labcorp
Classification: Uncertain significance for KBG syndrome. Last evaluated: 2025-01-17. Review status: criteria provided, single submitter. Criteria: Invitae Variant Classification Sherloc (09022015). Collection method: clinical testing. Allele origin: germline.
Comment: This sequence change replaces aspartic acid, which is acidic and polar, with asparagine, which is neutral and polar, at codon 990 of the ANKRD11 protein (p.Asp990Asn). This variant is not present in population databases (gnomAD no frequency). This variant has not been reported in the literature in individuals affected with ANKRD11-related conditions. Invitae Evidence Modeling of protein sequence and biophysical properties (such as structural, functional, and spatial information, amino acid conservation, physicochemical variation, residue mobility, and thermodynamic stability) indicates that this missense variant is not expected to disrupt ANKRD11 protein function with a negative predictive value of 95%. In summary, the available evidence is currently insufficient to determine the role of this variant in disease. Therefore, it has been classified as a Variant of Uncertain Significance.